The following is an entry in ClinVar:

NM_018979.4(WNK1):c.1755A>C (p.Glu585Asp)

Gene: WNK1 (WNK lysine deficient protein kinase 1; plus strand). Cytogenetic location: 12p13.33.
Variant type: single nucleotide variant.
Coding change: c.1755A>C on transcript NM_018979.4 (MANE Select); coding-DNA position 1755, A replaced by C.
Protein change: p.Glu585Asp; replaces glutamic acid 585 with aspartic acid.
Molecular consequence: missense variant.
Genome position (GRCh38, 1-based): chr12:861,147, A>C. VCF-style: chr12-861147-A-C. GRCh37 (hg19) VCF-style: chr12-970313-A-C.
Other names: c.1755A>C, p.Glu585Asp (NM_001184985.2, NM_014823.3, NM_213655.5); short protein forms E585D.
Identifiers: ClinVar variation 2133421 (VCV002133421.4), dbSNP rs1041692730, ClinGen allele CA231491162.
Genomic context (GRCh38, chr12:861,147, plus strand): 5'-TAAGAGGAAACGAGAGCAGCGGCAGTTGGTACGGGAGGAGCAAGAAAAAAAAAAGCAGGA[A>C]GAGAGCAGTCTCAAACAGCAGGTAGAACAATCCAGTGCTTCCCAGACAGGAATCAAGCAG-3'
Protein context (NP_061852.3, residues 575-595): VREEQEKKKQ[Glu585Asp]ESSLKQQVEQ

ClinVar aggregate classification (germline): Uncertain significance (1 of 4 stars; one submission).

Conditions:
Neuropathy, hereditary sensory and autonomic, type 2A (HSAN2A). Also called: ACROOSTEOLYSIS, GIACCAI TYPE; ACROOSTEOLYSIS, NEUROGENIC; MORVAN DISEASE; NEUROPATHY, CONGENITAL SENSORY; NEUROPATHY, HEREDITARY SENSORY RADICULAR, AUTOSOMAL RECESSIVE; NEUROPATHY, HEREDITARY SENSORY, TYPE IIA. Identifiers: Orphanet 970, MedGen C2752089, MONDO:0024309, OMIM 201300.
Pseudohypoaldosteronism type 2C (PHA2C). Also called: Pseudohypoaldosteronism Type IIC. Identifiers: Orphanet 757, Orphanet 88940, MedGen C1840391, MONDO:0013778, OMIM 614492.

Submission:

Labcorp Genetics (formerly Invitae), Labcorp
Classification: Uncertain significance for Neuropathy, hereditary sensory and autonomic, type 2A; Pseudohypoaldosteronism type 2C. Last evaluated: 2022-05-04. Review status: criteria provided, single submitter. Criteria: Invitae Variant Classification Sherloc (09022015). Collection method: clinical testing. Allele origin: germline.
Comment: In summary, the available evidence is currently insufficient to determine the role of this variant in disease. Therefore, it has been classified as a Variant of Uncertain Significance. Advanced modeling of protein sequence and biophysical properties (such as structural, functional, and spatial information, amino acid conservation, physicochemical variation, residue mobility, and thermodynamic stability) performed at Invitae indicates that this missense variant is not expected to disrupt WNK1 protein function. This variant has not been reported in the literature in individuals affected with WNK1-related conditions. This variant is not present in population databases (gnomAD no frequency). This sequence change replaces glutamic acid, which is acidic and polar, with aspartic acid, which is acidic and polar, at codon 585 of the WNK1 protein (p.Glu585Asp).